The following is an entry in ClinVar:

ClinVar aggregate classification (germline): Conflicting classifications of pathogenicity. Review status: criteria provided, conflicting classifications (1 of 4 stars). 6 submissions from 6 submitters: Pathogenic (1); Uncertain significance (2); Benign (2). 1 of the submissions does not count toward it. Last evaluated 2026-01-28.

Conditions:
Autosomal recessive multiple pterygium syndrome. Also called: MULTIPLE PTERYGIUM SYNDROME, ESCOBAR VARIANT; PTERYGIUM COLLI SYNDROME; PTERYGIUM SYNDROME; PTERYGIUM UNIVERSALE. Identifiers: Orphanet 2990, MedGen C0265261, MONDO:0009926, OMIM 265000.
Lethal multiple pterygium syndrome (LMPS). Identifiers: Orphanet 33108, MedGen C1854678, MONDO:0009668, OMIM 253290.
Rheumatoid arthritis (RA). Also called: RHEUMATOID ARTHRITIS, SUSCEPTIBILITY TO. Identifiers: MedGen C0003873, MONDO:0008383, OMIM 180300, HP:0001370.

Allele frequency attached by ClinVar (database versions not stated): TOPMed 0.00005; gnomAD 0.00006 and 0.00019; 1000 Genomes Project 0.00060; 1000 Genomes Project 30x 0.00062; ExAC 0.00067; gnomAD exomes 0.00072.
gnomAD v4.1: 519 of 1,613,564 alleles (0.032%); highest among the groups gnomAD compares: South Asian, 0.5%; 7 homozygotes.

Submissions (6):

Labcorp Genetics (formerly Invitae), Labcorp
Classification: Benign. Last evaluated: 2026-01-28. Review status: criteria provided, single submitter. Criteria: Invitae Variant Classification Sherloc (09022015). Collection method: clinical testing. Allele origin: germline.

Division of Medical Genetics, Department of Pediatrics, All India Institute of Medical Sciences, New Delhi
Classification: Uncertain significance for Autosomal recessive multiple pterygium syndrome. Last evaluated: 2023-06-15. Review status: criteria provided, single submitter. Criteria: ACMG Guidelines, 2015. Collection method: research. Allele origin: germline. Affected: yes.

Women's Health and Genetics/Laboratory Corporation of America, LabCorp
Classification: Benign. Last evaluated: 2022-09-03. Review status: criteria provided, single submitter. Criteria: LabCorp Variant Classification Summary - May 2015. Collection method: clinical testing. Allele origin: germline.
Comment: Variant summary: CHRNG c.994C>T (p.Arg332Trp) results in a non-conservative amino acid change located in the Neurotransmitter-gated ion-channel transmembrane domain (IPR006029) of the encoded protein sequence. Five of five in-silico tools predict a damaging effect of the variant on protein function. The variant allele was found at a frequency of 0.00072 in 251366 control chromosomes (gnomAD), predominantly at a frequency of 0.0056 within the South Asian subpopulation in the gnomAD database, including 4 homozygotes. The observed variant frequency within South Asian control individuals in the gnomAD database is approximately 5 fold of the estimated maximal expected allele frequency for a pathogenic variant in CHRNG causing Lethal Multiple Pterygium Syndrome (0.0011), strongly suggesting that the variant is a benign polymorphism found primarily in populations of South Asian origin. c.994C>T has been reported in the literature in individuals affected with Distal arthrogryposis type 5D, however, analysis of the extended family and co-occurrence with a frameshift variant in ECEL1 in homozygosity (c.716dupA, p.Tyr239*), provide supporting evidence for a benign role of the variant of interest since loss of ECEL1 is concordant with the patients' phenotype (McMillin_2013, OMIM gene: 605896, MIM phenotype: 615065). Therefore, this report does not provide unequivocal conclusions about association of the variant with Lethal Multiple Pterygium Syndrome - CHRNG Related. To our knowledge, no experimental evidence demonstrating an impact on protein function has been reported. One ClinVar submitter has assessed this variant since 2014: the variant was classified as pathogenic. Based on the evidence outlined above, the variant was classified as benign.

Department of Pathology and Laboratory Medicine, Sinai Health System
Classification: Uncertain significance for Autosomal recessive multiple pterygium syndrome; Lethal multiple pterygium syndrome. Last evaluated: 2022-08-26. Review status: criteria provided, single submitter. Criteria: ACMG Guidelines, 2015. Collection method: research. Allele origin: germline.

Genetics and Genomic Medicine Centre, NeuroGen Healthcare, NeuroGen Healthcare
Classification: Pathogenic for Autosomal recessive multiple pterygium syndrome. Last evaluated: 2020-09-02. Review status: criteria provided, single submitter. Criteria: Submitter's publication. Collection method: clinical testing. Allele origin: unknown. Affected: no.

Institute of Biochemistry and Biotechnology, Faculty of Life Sciences, University of the Punjab
Classification: Pathogenic for Rheumatoid arthritis. Last evaluated: 2020-11-02. Review status: no assertion criteria provided. Collection method: research. Allele origin: inherited. Affected: yes. Observed: 1 variant allele. Not counted in ClinVar's aggregate classification.
Comment: CHRNG is previously associated with Myasthenia gravis which often occurs concomitantly with rheumatoid arthritis

Literature cited by the submitters: PubMed 23261301 (cited by Women's Health and Genetics/Laboratory Corporation of America, LabCorp).

NM_005199.5(CHRNG):c.994C>T (p.Arg332Trp)

Gene: CHRNG (cholinergic receptor nicotinic gamma subunit; plus strand). Cytogenetic location: 2q37.1.
Variant type: single nucleotide variant.
Coding change: c.994C>T on transcript NM_005199.5 (MANE Select); coding-DNA position 994, C replaced by T.
Protein change: p.Arg332Trp; replaces arginine 332 with tryptophan.
Molecular consequence: missense variant.
Genome position (GRCh38, 1-based): chr2:232,543,658, C>T. VCF-style: chr2-232543658-C-T. GRCh37 (hg19) VCF-style: chr2-233408368-C-T.
Other names: short protein forms R332W.
Identifiers: ClinVar variation 983491 (VCV000983491.9), dbSNP rs567899708, ClinGen allele CA2168883.